The following is an entry in ClinVar:

NM_001330700.2(TOP2B):c.4840G>T (p.Asp1614Tyr)

Gene: TOP2B (DNA topoisomerase II beta; minus strand). Cytogenetic location: 3p24.2.
Variant type: single nucleotide variant.
Coding change: c.4840G>T on transcript NM_001330700.2 (MANE Select); coding-DNA position 4840, G replaced by T.
Protein change: p.Asp1614Tyr; replaces aspartic acid 1614 with tyrosine.
Molecular consequence: missense variant.
Genome position (GRCh38, 1-based): chr3:25,598,348, C>A on the plus strand (G>T on the coding strand, the complement: TOP2B is on the minus strand). VCF-style: chr3-25598348-C-A. GRCh37 (hg19) VCF-style: chr3-25639839-C-A.
Other names: c.4825G>T, p.Asp1609Tyr (NM_001068.3); short protein forms D1614Y, D1609Y.
Identifiers: ClinVar variation 1937875 (VCV001937875.5), dbSNP rs1025788498, ClinGen allele CA71613976.

ClinVar aggregate classification (germline): Uncertain significance (1 of 4 stars; one submission).

Allele frequency attached by ClinVar (database versions not stated): gnomAD exomes below 0.00001; TOPMed below 0.00001.
gnomAD v4.1: 2 of 1,612,552 alleles (0.00012%); highest among the groups gnomAD compares: Admixed American, 0.0017%; no homozygotes.

Submission:

Labcorp Genetics (formerly Invitae), Labcorp
Classification: Uncertain significance. Last evaluated: 2022-05-26. Review status: criteria provided, single submitter. Criteria: Invitae Variant Classification Sherloc (09022015). Collection method: clinical testing. Allele origin: germline.
Comment: This variant has not been reported in the literature in individuals affected with TOP2B-related conditions. This variant is not present in population databases (gnomAD no frequency). This sequence change replaces aspartic acid, which is acidic and polar, with tyrosine, which is neutral and polar, at codon 1609 of the TOP2B protein (p.Asp1609Tyr). Algorithms developed to predict the effect of missense changes on protein structure and function are either unavailable or do not agree on the potential impact of this missense change (SIFT: "Deleterious"; PolyPhen-2: "Probably Damaging"; Align-GVGD: "Class C0"). In summary, the available evidence is currently insufficient to determine the role of this variant in disease. Therefore, it has been classified as a Variant of Uncertain Significance.